The following is an entry in ClinVar:

ClinVar aggregate classification (germline): Pathogenic/Likely pathogenic. Review status: criteria provided, multiple submitters, no conflicts (2 of 4 stars). 2 submissions from 2 submitters: Pathogenic (1); Likely pathogenic (1). Last evaluated 2024-05-30.

Conditions:
Mucopolysaccharidosis, MPS-III-C (MPS3C). Also called: mucopolysaccharidosis type 3C; SANFILIPPO SYNDROME C; MPS III C; MPS IIIC (Sanfilippo Syndrome Type C); MUCOPOLYSACCHARIDOSIS, TYPE IIIC; Mucopolysaccharidosis type IIIC (Sanfilippo C). Identifiers: Orphanet 581, Orphanet 79271, MedGen C0086649, MONDO:0009657, OMIM 252930.

Submissions (2):

Natera, Inc.
Classification: Likely pathogenic for Mucopolysaccharidosis type IIIC. Last evaluated: 2024-05-30. Review status: criteria provided, single submitter. Criteria: Natera Variant Classification Schema (03/2026). Collection method: clinical testing. Allele origin: germline.
Comment: The c.616_622delGATCGCCinsTA variant in HGSNAT is a frameshift variant predicted to shift the reading frame beginning at codon 206 and leads to a stop codon 5 codons downstream. This variant is expected to result in nonsense mediated decay, truncation, or a dysfunctional protein product. This variant is rare in the general population with a frequency below the threshold expected for the associated phenotype(s). Given the available evidence, this variant is classified as Likely Pathogenic.

Myriad Genetics, Inc.
Classification: Pathogenic for Mucopolysaccharidosis, MPS-III-C. Last evaluated: 2024-03-01. Review status: criteria provided, single submitter. Criteria: Myriad Autosomal Dominant, Autosomal Recessive and X-Linked Classification Criteria (2023). Collection method: clinical testing. Allele origin: unknown.
Comment: NM_152419.2(HGSNAT):c.616_622del7ins2(D206Yfs*5) is expected to be pathogenic in the context of mucopolysaccharidosis type IIIC. This variant is predicted to lead to an abnormal or absent protein product due to the creation of a premature termination codon in HGSNAT, a gene where loss-of-function variants are known to be pathogenic. Please note: this variant was assessed in the context of healthy population screening.

NM_152419.3(HGSNAT):c.616_622delinsTA (p.Asp206fs)

Gene: HGSNAT (heparan-alpha-glucosaminide N-acetyltransferase; plus strand). Cytogenetic location: 8p11.21.
Variant type: Indel.
Coding change: c.616_622delinsTA on transcript NM_152419.3 (MANE Select); coding-DNA positions 616 to 622, GATCGCC replaced by TA.
Protein change: p.Asp206fs; shifts the reading frame from aspartic acid 206.
Molecular consequence: frameshift variant. On other transcripts: 5 prime UTR variant (1).
Genome position (GRCh38, 1-based): chr8:43,169,225-43,169,231, GATCGCC replaced by TA. VCF-style: chr8-43169225-GATCGCC-TA. GRCh37 (hg19) VCF-style: chr8-43024368-GATCGCC-TA.
Other names: c.616_622delinsTA, p.Asp206fs (NM_001363227.2, NM_001363228.2); c.-218_-212delinsTA (NM_001363229.2); short protein forms D206fs.
Identifiers: ClinVar variation 4816874 (VCV004816874.2).